The following is an entry in ClinVar:

NM_000260.4(MYO7A):c.5374G>A (p.Val1792Ile)

Gene: MYO7A (myosin VIIA; plus strand). Cytogenetic location: 11q13.5.
Variant type: single nucleotide variant.
Coding change: c.5374G>A on transcript NM_000260.4 (MANE Select); coding-DNA position 5374, G replaced by A.
Protein change: p.Val1792Ile; replaces valine 1792 with isoleucine.
Molecular consequence: missense variant.
Genome position (GRCh38, 1-based): chr11:77,204,123, G>A. VCF-style: chr11-77204123-G-A. GRCh37 (hg19) VCF-style: chr11-76915168-G-A.
Other names: c.5260G>A, p.Val1754Ile (NM_001127180.2); c.5227G>A, p.Val1743Ile (NM_001369365.1); short protein forms V1792I, V1754I, V1743I.
Identifiers: ClinVar variation 735099 (VCV000735099.15), dbSNP rs369424114, ClinGen allele CA6198695.

ClinVar aggregate classification (germline): Conflicting classifications of pathogenicity. Review status: criteria provided, conflicting classifications (1 of 4 stars). 4 submissions from 4 submitters: Uncertain significance (1); Likely benign (2). 1 of the submissions does not count toward it. Last evaluated 2026-02-01.

Conditions:
MYO7A-related disorder. Also called: MYO7A-related disorders.
Autosomal recessive nonsyndromic hearing loss 2. Also called: DEAFNESS, AUTOSOMAL RECESSIVE 2; NEUROSENSORY NONSYNDROMIC RECESSIVE DEAFNESS 2. Identifiers: Orphanet 90636, MedGen C1838701, MONDO:0010807, OMIM 600060.

Allele frequency attached by ClinVar (database versions not stated): gnomAD 0.00004 and 0.00013; TOPMed 0.00004; ESP Exome Variant Server 0.00008; gnomAD exomes 0.00033; ExAC 0.00067; 1000 Genomes Project 30x 0.00094; 1000 Genomes Project 0.00120.
gnomAD v4.1: 257 of 1,600,264 alleles (0.016%); highest among the groups gnomAD compares: South Asian, 0.23%; no homozygotes.

Submissions (4):

Labcorp Genetics (formerly Invitae), Labcorp
Classification: Likely benign. Last evaluated: 2026-02-01. Review status: criteria provided, single submitter. Criteria: Invitae Variant Classification Sherloc (09022015). Collection method: clinical testing. Allele origin: germline.

Blueprint Genetics
Classification: Likely benign. Last evaluated: 2024-10-23. Review status: criteria provided, single submitter. Criteria: ACMG Guidelines, 2015. Collection method: clinical testing. Allele origin: germline.

Neuberg Centre For Genomic Medicine, NCGM
Classification: Uncertain significance for Autosomal recessive nonsyndromic hearing loss 2. Review status: criteria provided, single submitter. Criteria: ACMG Guidelines, 2015. Collection method: clinical testing. Allele origin: germline. Inheritance: Autosomal recessive inheritance. Affected: yes.
Comment: The observed missense c.5374G>A(p.Val1792Ile) variant in MYO7A gene has not been reported previously as a pathogenic variant nor a benign variant, to our knowledge. The p.Val1792Ile variant has been reported with allele frequency of 0.03% in gnomAD Exomes. This variant has been submitted to the ClinVar database as Likely Benign, but no details are available for independent assessment. The amino acid change p.Val1792Ile in MYO7A is predicted as conserved by GERP++ and PhyloP across 100 vertebrates. The amino acid Val at position 1792 is changed to a Ile changing protein sequence and it might alter its composition and physico-chemical properties. For these reasons, this variant has been classified as a Variant of Uncertain Significance (VUS).

PreventionGenetics, part of Exact Sciences
Classification: Likely benign for MYO7A-related condition. Last evaluated: 2023-12-26. Review status: no assertion criteria provided. Collection method: clinical testing. Allele origin: germline. Not counted in ClinVar's aggregate classification.
Comment: This variant is classified as likely benign based on ACMG/AMP sequence variant interpretation guidelines (Richards et al. 2015 PMID: 25741868, with internal and published modifications).